The following is an entry in ClinVar:

ClinVar aggregate classification (germline): Uncertain significance (1 of 4 stars; one submission).

Submission:

GeneDx
Classification: Uncertain significance. Last evaluated: 2024-10-25. Review status: criteria provided, single submitter. Criteria: GeneDx Variant Classification Process June 2021. Collection method: clinical testing. Allele origin: germline. Affected: yes.
Comment: Not observed at significant frequency in large population cohorts (gnomAD); In silico analysis supports that this missense variant has a deleterious effect on protein structure/function; Has not been previously published as pathogenic or benign to our knowledge

NM_006035.4(CDC42BPB):c.2497G>A (p.Gly833Ser)

Gene: CDC42BPB (CDC42 binding protein kinase beta; minus strand). Cytogenetic location: 14q32.32.
Variant type: single nucleotide variant.
Coding change: c.2497G>A on transcript NM_006035.4 (MANE Select); coding-DNA position 2497, G replaced by A.
Protein change: p.Gly833Ser; replaces glycine 833 with serine.
Molecular consequence: missense variant.
Genome position (GRCh38, 1-based): chr14:102,966,362, C>T on the plus strand (G>A on the coding strand, the complement: CDC42BPB is on the minus strand). VCF-style: chr14-102966362-C-T. GRCh37 (hg19) VCF-style: chr14-103432699-C-T.
Other names: c.2497G>A, p.Gly833Ser (NM_001411054.1); short protein forms G833S.
Identifiers: ClinVar variation 3893515 (VCV003893515.1).
Genomic context (GRCh38, chr14:102,966,362, plus strand): 5'-TAGAACTCCTCAAAGCCTCGAGCTCTTCGGTCATCTTGGAAGCAAGAGCTTGAAGGTAAC[C>T]CCGGGCATCTTTCTCGTCACTGACCCTGGAGGAGGGAACAGATGTTCTATCTCACGAAGC-3'
Protein context (NP_006026.3, residues 823-843): QWVSDEKDAR[Gly833Ser]YLQALASKMT